The following is an entry in ClinVar:

NM_001377299.1(NDUFS2):c.1324C>T (p.His442Tyr)

Gene: NDUFS2 (NADH:ubiquinone oxidoreductase core subunit S2; plus strand). Cytogenetic location: 1q23.3.
Variant type: single nucleotide variant.
Coding change: c.1324C>T on transcript NM_001377299.1 (MANE Select); coding-DNA position 1324, C replaced by T.
Protein change: p.His442Tyr; replaces histidine 442 with tyrosine.
Molecular consequence: missense variant. On other transcripts: non-coding transcript variant (1).
Genome position (GRCh38, 1-based): chr1:161,213,891, C>T. VCF-style: chr1-161213891-C-T. GRCh37 (hg19) VCF-style: chr1-161183681-C-T.
Other names: p.His442Tyr; c.1324C>T, p.His442Tyr (NM_001166159.2, NM_001377298.1, NM_001377300.1 and 3 more transcripts); short protein forms H442Y.
Identifiers: ClinVar variation 985317 (VCV000985317.11), dbSNP rs201897431, ClinGen allele CA1208850.

ClinVar aggregate classification (germline): Conflicting classifications of pathogenicity. Review status: criteria provided, conflicting classifications (1 of 4 stars). 7 submissions from 7 submitters: Uncertain significance (6); Likely benign (1). Last evaluated 2026-05-21.

Conditions:
NDUFS2-related disorder. Also called: NDUFS2-related condition.
Inborn genetic diseases. Identifiers: MedGen C0950123, MeSH D030342.
Mitochondrial complex I deficiency, nuclear type 6. Also called: Mitochondrial complex 1 deficiency, nuclear type 6. Identifiers: MedGen C4748759, MONDO:0032611, OMIM 618228.

Allele frequency attached by ClinVar (database versions not stated): gnomAD 0.00002 and 0.00005; TOPMed 0.00005; gnomAD exomes 0.00007 and 0.00021; ExAC 0.00026; 1000 Genomes Project 30x 0.00047; 1000 Genomes Project 0.00060.
gnomAD v4.1: 115 of 1,614,228 alleles (0.0071%); highest among the groups gnomAD compares: East Asian, 0.085%; 2 homozygotes.

Submissions (7):

PreventionGenetics, part of Exact Sciences
Classification: Uncertain significance for NDUFS2-related condition. Last evaluated: 2026-05-21. Review status: criteria provided, single submitter. Criteria: ACMG Guidelines, 2015. Collection method: clinical testing. Allele origin: germline.
Comment: The NDUFS2 c.1324C>T variant is predicted to result in the amino acid substitution p.His442Tyr. This variant was reported in the compound heterozygous state in an individual with mitochondrial leukoencephalopathy (supplementary data, Bindu et al. 2018. PubMed ID: 29353736). However, this variant is reported in 0.16% of alleles in individuals of East Asian descent in gnomAD, which may be too frequent to be a primary cause of disease. Although we suspect that this variant may be benign, the clinical significance of this variant is currently classified as uncertain due to the absence of conclusive functional and genetic evidence.

Labcorp Genetics (formerly Invitae), Labcorp
Classification: Likely benign. Last evaluated: 2025-01-16. Review status: criteria provided, single submitter. Criteria: Invitae Variant Classification Sherloc (09022015). Collection method: clinical testing. Allele origin: germline.

Blueprint Genetics
Classification: Uncertain significance. Last evaluated: 2024-10-23. Review status: criteria provided, single submitter. Criteria: ACMG Guidelines, 2015. Collection method: clinical testing. Allele origin: germline.

Mayo Clinic Laboratories, Mayo Clinic
Classification: Uncertain significance. Last evaluated: 2024-03-14. Review status: criteria provided, single submitter. Criteria: ACMG Guidelines, 2015. Collection method: clinical testing. Allele origin: germline. Observed: 1 variant allele.
Comment: BS1

Genome-Nilou Lab
Classification: Uncertain significance for Mitochondrial complex I deficiency, nuclear type 6. Last evaluated: 2023-04-11. Review status: criteria provided, single submitter. Criteria: ACMG Guidelines, 2015. Collection method: clinical testing. Allele origin: germline. Affected: no.

GeneDx
Classification: Uncertain significance. Last evaluated: 2022-12-14. Review status: criteria provided, single submitter. Criteria: GeneDx Variant Classification Process June 2021. Collection method: clinical testing. Allele origin: germline. Affected: yes.
Comment: In silico analysis supports that this missense variant has a deleterious effect on protein structure/function; Has been reported in a patient with neuroregression, leukoencephalopathy, and seizures (Bindu et al., 2018a, Bindu et al. 2018b; Sankaran et al., 2020); This variant is associated with the following publications: (PMID: 29272804, 31180159, 32180488, 29353736)

Ambry Genetics
Classification: Uncertain significance for Inborn genetic diseases. Last evaluated: 2017-07-05. Review status: criteria provided, single submitter. Criteria: Ambry exome assertion method (8-5-2015). Collection method: clinical testing. Allele origin: germline. Affected: yes. Observed: 1 variant allele.

Literature cited by the submitters: PubMed 29272804 (cited by Mayo Clinic Laboratories, Mayo Clinic); PubMed 29353736 (cited by Mayo Clinic Laboratories, Mayo Clinic); PubMed 31180159 (cited by Mayo Clinic Laboratories, Mayo Clinic); PubMed 32180488 (cited by Mayo Clinic Laboratories, Mayo Clinic).